The following is an entry in ClinVar:

ClinVar aggregate classification (germline): Likely benign. Review status: criteria provided, multiple submitters, no conflicts (2 of 4 stars). 2 submissions from 2 submitters: Likely benign (2). Last evaluated 2024-07-26.

Conditions:
Familial cancer of breast. Also called: BREAST CANCER, FAMILIAL; Hereditary breast cancer; hereditary breast carcinoma. Identifiers: Orphanet 227535, MedGen C0346153, MONDO:0016419, OMIM 114480. Disease mechanism: loss of function.

gnomAD v4.1: 1 of 1,609,026 alleles (0.000062%); highest among the groups gnomAD compares: Non-Finnish European, 0.000085%; no homozygotes.

Submissions (2):

Myriad Genetics, Inc.
Classification: Likely benign for Familial cancer of breast. Last evaluated: 2024-07-26. Review status: criteria provided, single submitter. Criteria: Myriad Autosomal Dominant, Autosomal Recessive and X-Linked Classification Criteria (2023). Collection method: clinical testing. Allele origin: unknown.
Comment: This variant is considered likely benign. This variant is intronic and is not expected to impact mRNA splicing.

Labcorp Genetics (formerly Invitae), Labcorp
Classification: Likely benign for Familial cancer of breast. Last evaluated: 2023-09-20. Review status: criteria provided, single submitter. Criteria: Invitae Variant Classification Sherloc (09022015). Collection method: clinical testing. Allele origin: germline.

NM_000465.4(BARD1):c.1811-9G>A

Gene: BARD1 (BRCA1 associated RING domain 1; minus strand). Cytogenetic location: 2q35.
Variant type: single nucleotide variant.
Coding change: c.1811-9G>A on transcript NM_000465.4 (MANE Select); 9 bases into the intron before coding-DNA position 1811, G replaced by A.
Molecular consequence: intron variant.
Genome position (GRCh38, 1-based): chr2:214,745,168, C>T on the plus strand (G>A on the coding strand, the complement: BARD1 is on the minus strand). VCF-style: chr2-214745168-C-T. GRCh37 (hg19) VCF-style: chr2-215609892-C-T.
Other names: c.1811-9G>A (LRG_297t1); c.401-9G>A (NM_001282548.2); c.1754-9G>A (NM_001282543.2); c.458-9G>A (NM_001282545.2); c.365-14660G>A (NM_001282549.2).
Identifiers: ClinVar variation 530249 (VCV000530249.12), dbSNP rs1553614994, ClinGen allele CA658796164.